The following is an entry in ClinVar:

ClinVar aggregate classification (germline): Uncertain significance (1 of 4 stars; one submission).

Submission:

Labcorp Genetics (formerly Invitae), Labcorp
Classification: Uncertain significance. Last evaluated: 2021-08-19. Review status: criteria provided, single submitter. Criteria: Invitae Variant Classification Sherloc (09022015). Collection method: clinical testing. Allele origin: germline.
Comment: This variant is a gross deletion of the genomic region encompassing exon(s) 9 of the DIP2C gene. This deletion is out-of-frame, and is expected to create a premature translational stop signal and result in an absent or disrupted protein product. However, the current clinical and genetic evidence is not sufficient to establish whether loss-of-function variants in DIP2C cause disease. This variant has not been reported in the literature in individuals affected with DIP2C-related conditions. In summary, the available evidence is currently insufficient to determine the role of this variant in disease. Therefore, it has been classified as a Variant of Uncertain Significance.

NC_000010.10:g.(?_454846)_(454977_?)del

Gene: DIP2C (disco interacting protein 2 homolog C; minus strand). Cytogenetic location: 10p15.3.
Variant type: Deletion.
Identifiers: ClinVar variation 1443328 (VCV001443328.5).